The following is an entry in ClinVar:

NM_006846.4(SPINK5):c.1957del (p.Val653fs)

Gene: SPINK5 (serine peptidase inhibitor Kazal type 5; plus strand). Cytogenetic location: 5q32.
Variant type: Deletion.
Coding change: c.1957del on transcript NM_006846.4 (MANE Select); coding-DNA position 1957, one base deleted (G; older notation c.1957delG).
Protein change: p.Val653fs; shifts the reading frame from valine 653.
Molecular consequence: frameshift variant.
Genome position (GRCh38, 1-based): chr5:148,114,431, G deleted. VCF-style (leftmost placement, unchanged base first): chr5-148114430-TG-T. GRCh37 (hg19) VCF-style: chr5-147493993-TG-T.
Other names: c.1957del, p.Val653fs (NM_001127698.2, NM_001127699.2); short protein forms V653fs.
Identifiers: ClinVar variation 3775605 (VCV003775605.1).

ClinVar aggregate classification (germline): Likely pathogenic (1 of 4 stars; one submission).

Conditions:
Netherton syndrome (NETH). Also called: NETHERTON DISEASE; ERYTHRODERMA, ICHTHYOSIFORM, WITH HYPOTRICHOSIS AND HYPER-IgE; COMEL-NETHERTON SYNDROME. Identifiers: Orphanet 634, MedGen C5574950, MONDO:0009735, OMIM 256500.

Submission:

3billion
Classification: Likely pathogenic for Netherton syndrome. Last evaluated: 2023-10-05. Review status: criteria provided, single submitter. Criteria: ACMG Guidelines, 2015. Collection method: clinical testing. Allele origin: germline. Affected: yes.
Comment: The variant is not observed in the gnomAD v2.1.1 dataset. Predicted Consequence/Location: Frameshift: predicted to result in a loss or disruption of normal protein function through nonsense-mediated decay (NMD) or protein truncation. Multiple pathogenic variants are reported downstream of the variant. Therefore, this variant is classified as Likely pathogenic according to the recommendation of ACMG/AMP guideline.